The following is an entry in ClinVar:

ClinVar aggregate classification (germline): Likely benign (1 of 4 stars; one submission).

Conditions:
TOPBP1-related disorder. Also called: TOPBP1-related condition.

gnomAD v4.1: 398 of 1,610,312 alleles (0.025%); highest among the groups gnomAD compares: Middle Eastern, 0.099%; 2 homozygotes.

Submission:

PreventionGenetics, part of Exact Sciences
Classification: Likely benign for TOPBP1-related condition. Last evaluated: 2024-10-20. Review status: criteria provided, single submitter. Criteria: ACMG Guidelines, 2015. Collection method: clinical testing. Allele origin: germline.
Comment: This variant is classified as likely benign based on ACMG/AMP sequence variant interpretation guidelines (Richards et al. 2015 PMID: 25741868, with internal and published modifications).

NM_007027.4(TOPBP1):c.2942G>A (p.Cys981Tyr)

Gene: TOPBP1 (DNA topoisomerase II binding protein 1; minus strand). Cytogenetic location: 3q22.1.
Variant type: single nucleotide variant.
Coding change: c.2942G>A on transcript NM_007027.4 (MANE Select); coding-DNA position 2942, G replaced by A.
Protein change: p.Cys981Tyr; replaces cysteine 981 with tyrosine.
Molecular consequence: missense variant.
Genome position (GRCh38, 1-based): chr3:133,623,444, C>T on the plus strand (G>A on the coding strand, the complement: TOPBP1 is on the minus strand). VCF-style: chr3-133623444-C-T. GRCh37 (hg19) VCF-style: chr3-133342288-C-T.
Other names: c.2927G>A, p.Cys976Tyr (NM_001363889.2); short protein forms C976Y, C981Y.
Identifiers: ClinVar variation 4985791 (VCV004985791.1).